The following is an entry in ClinVar:

ClinVar aggregate classification (germline): Benign/Likely benign. Review status: criteria provided, multiple submitters, no conflicts (2 of 4 stars). 17 submissions from 17 submitters: Benign (8); Likely benign (3). 6 of the submissions do not count toward it. Last evaluated 2026-02-04.

Conditions:
FANCG-related disorder. Also called: FANCG-related condition.
Fanconi anemia (FA). Also called: Fanconi's anemia. Identifiers: Orphanet 84, MedGen C0015625, MeSH D005199, MONDO:0019391.
Fanconi anemia complementation group G. Also called: Fanconi anemia group G; FANCG-Related Fanconi Anemia. Identifiers: Orphanet 84, MedGen C3469527, MONDO:0013565, OMIM 614082.

Allele frequency attached by ClinVar (database versions not stated): ESP Exome Variant Server 0.02883; gnomAD 0.02968 and 0.02972; gnomAD exomes 0.00840 and 0.01538; ExAC 0.01771; TOPMed 0.03207; 1000 Genomes Project 0.04952; 1000 Genomes Project 30x 0.05012.

Submissions (17):

Labcorp Genetics (formerly Invitae), Labcorp
Classification: Benign for Fanconi anemia. Last evaluated: 2026-02-04. Review status: criteria provided, single submitter. Criteria: Invitae Variant Classification Sherloc (09022015). Collection method: clinical testing. Allele origin: germline.

Mayo Clinic Laboratories, Mayo Clinic
Classification: Benign. Last evaluated: 2025-09-16. Review status: criteria provided, single submitter. Criteria: ACMG Guidelines, 2015. Collection method: clinical testing. Allele origin: germline. Observed: 43 variant alleles.
Comment: BA1, BS2, BP4_moderate

Blueprint Genetics
Classification: Likely benign. Last evaluated: 2024-11-27. Review status: criteria provided, single submitter. Criteria: ACMG Guidelines, 2015. Collection method: clinical testing. Allele origin: germline.

ARUP Laboratories, Molecular Genetics and Genomics, ARUP Laboratories
Classification: Benign for Fanconi anemia complementation group G. Last evaluated: 2024-10-10. Review status: criteria provided, single submitter. Criteria: ARUP Molecular Germline Variant Investigation Process 2024. Collection method: clinical testing. Allele origin: germline.

KCCC/NGS Laboratory, Kuwait Cancer Control Center
Classification: Benign for Fanconi anemia complementation group G. Last evaluated: 2023-07-07. Review status: criteria provided, single submitter. Criteria: ACMG Guidelines, 2015. Collection method: clinical testing. Allele origin: germline. Affected: yes.

Women's Health and Genetics/Laboratory Corporation of America, LabCorp
Classification: Likely benign. Last evaluated: 2021-12-10. Review status: criteria provided, single submitter. Criteria: LabCorp Variant Classification Summary - May 2015. Collection method: clinical testing. Allele origin: germline.

Sema4
Classification: Benign for Fanconi anemia. Last evaluated: 2020-02-04. Review status: criteria provided, single submitter. Criteria: Sema4 Curation Guidelines. Collection method: curation. Allele origin: germline.

GeneDx
Classification: Benign. Last evaluated: 2019-04-24. Review status: criteria provided, single submitter. Criteria: GeneDx Variant Classification Process June 2021. Collection method: clinical testing. Allele origin: germline. Affected: yes.
Comment: This variant is associated with the following publications: (PMID: 11093276, 27153395, 27884173, 11438206, 24728327, 20981092, 17010390)

Illumina Laboratory Services, Illumina
Classification: Benign for Fanconi anemia complementation group G. Last evaluated: 2018-03-06. Review status: criteria provided, single submitter. Criteria: ICSL Variant Classification Criteria 13 December 2019. Collection method: clinical testing. Allele origin: germline.
Comment: This variant was observed in the ICSL laboratory as part of a predisposition screen in an ostensibly healthy population. It had not been previously curated by ICSL or reported in the Human Gene Mutation Database (HGMD: prior to June 1st, 2018), and was therefore a candidate for classification through an automated scoring system. Utilizing variant allele frequency, disease prevalence and penetrance estimates, and inheritance mode, an automated score was calculated to assess if this variant is too frequent to cause the disease. Based on the score and internal cut-off values, a variant classified as benign is not then subjected to further curation. The score for this variant resulted in a classification of benign for this disease.

Center for Pediatric Genomic Medicine, Children's Mercy Hospital and Clinics
Classification: Benign. Last evaluated: 2017-03-10. Review status: criteria provided, single submitter. Criteria: ACMG Guidelines, 2015. Collection method: clinical testing. Allele origin: germline.

Breakthrough Genomics
Classification: Likely benign. Review status: criteria provided, single submitter. Criteria: ACMG Guidelines, 2015. Collection method: not provided. Allele origin: germline. Inheritance: Autosomal recessive inheritance. Affected: yes.

Natera, Inc.
Classification: Benign for Fanconi anemia group G. Last evaluated: 2020-09-16. Review status: no assertion criteria provided. Collection method: clinical testing. Allele origin: germline. Not counted in ClinVar's aggregate classification.

PreventionGenetics, part of Exact Sciences
Classification: Benign for FANCG-related condition. Last evaluated: 2019-03-01. Review status: no assertion criteria provided. Collection method: clinical testing. Allele origin: germline. Not counted in ClinVar's aggregate classification.
Comment: This variant is classified as benign based on ACMG/AMP sequence variant interpretation guidelines (Richards et al. 2015 PMID: 25741868, with internal and published modifications).

ITMI
No classification provided. Condition: AllHighlyPenetrant. Last evaluated: 2013-09-19. Review status: no classification provided. Collection method: reference population. Allele origin: germline. Not counted in ClinVar's aggregate classification.
Comment: Please see associated publication for description of ethnicities

Leiden Open Variation Database
Classification: Pathogenic for Fanconi anemia complementation group G. Last evaluated: 2011-02-07. Review status: no assertion criteria provided. Collection method: curation. Allele origin: germline. Affected: yes. Not counted in ClinVar's aggregate classification.
Comment: Curator: Arleen D. Auerbach. Submitter to LOVD: Arleen D. Auerbach.

Genome Diagnostics Laboratory, Amsterdam University Medical Center
Classification: Benign. Review status: no assertion criteria provided. Collection method: clinical testing. Allele origin: germline. Affected: yes. Study: VKGL Data-share Consensus. Not counted in ClinVar's aggregate classification.

Genome Diagnostics Laboratory, University Medical Center Utrecht
Classification: Benign. Review status: no assertion criteria provided. Collection method: clinical testing. Allele origin: germline. Affected: yes. Study: VKGL Data-share Consensus. Not counted in ClinVar's aggregate classification.

Literature cited by the submitters: PubMed 24728327 (cited by ITMI); PubMed 11438206 (cited by Leiden Open Variation Database).

NM_004629.2(FANCG):c.890C>T (p.Thr297Ile)

Gene: FANCG (FA complementation group G; minus strand). Cytogenetic location: 9p13.3.
Variant type: single nucleotide variant.
Coding change: c.890C>T on transcript NM_004629.2 (MANE Select); coding-DNA position 890, C replaced by T.
Protein change: p.Thr297Ile; replaces threonine 297 with isoleucine.
Molecular consequence: missense variant.
Genome position (GRCh38, 1-based): chr9:35,076,758, G>A on the plus strand (C>T on the coding strand, the complement: FANCG is on the minus strand). VCF-style: chr9-35076758-G-A. GRCh37 (hg19) VCF-style: chr9-35076755-G-A.
Other names: short protein forms T297I.
Identifiers: ClinVar variation 134367 (VCV000134367.38), dbSNP rs2237857, ClinGen allele CA159616.